The following is an entry in ClinVar:

ClinVar aggregate classification (germline): Uncertain significance. Review status: criteria provided, multiple submitters, no conflicts (2 of 4 stars). 3 submissions from 3 submitters: Uncertain significance (3). Last evaluated 2025-11-24.

Conditions:
Osteogenesis imperfecta type 8 (OI8). Identifiers: MedGen C1970458, MONDO:0012581, OMIM 610915.

Allele frequency attached by ClinVar (database versions not stated): ExAC 0.00001; gnomAD exomes 0.00001.

Submissions (3):

Women's Health and Genetics/Laboratory Corporation of America, LabCorp
Classification: Uncertain significance. Last evaluated: 2025-11-24. Review status: criteria provided, single submitter. Criteria: LabCorp Variant Classification Summary - May 2015. Collection method: clinical testing. Allele origin: germline.
Comment: Variant summary: P3H1 c.1170G>A (p.Pro390Pro) alters a conserved nucleotide located close to a canonical splice site and therefore could affect mRNA splicing, leading to a significantly altered protein sequence. Several computational tools predict a significant impact on normal splicing: Three predict the variant abolishes a canonical 5 splicing donor site, one predicts the variant weakens a canonical 5' splicing donor site, and two predict the variant creates a cryptic 3' acceptor site. However, these predictions have yet to be confirmed by functional studies. The variant allele was found at a frequency of 8e-06 in 251288 control chromosomes. The available data on variant occurrences in the general population are insufficient to allow any conclusion about variant significance. c.1170G>A has been observed in at least one individual affected with Osteogenesis Imperfecta (example: Pepin_2013). This data does not allow any conclusion about variant significance. To our knowledge, no experimental evidence demonstrating an impact on protein function has been reported. The following publication has been ascertained in the context of this evaluation (PMID: 24498616). ClinVar contains an entry for this variant (Variation ID: 1722452). Based on the evidence outlined above, the variant was classified as uncertain significance.

Genome-Nilou Lab
Classification: Uncertain significance for Osteogenesis imperfecta type 8. Last evaluated: 2023-04-11. Review status: criteria provided, single submitter. Criteria: ACMG Guidelines, 2015. Collection method: clinical testing. Allele origin: germline. Affected: no.

Labcorp Genetics (formerly Invitae), Labcorp
Classification: Uncertain significance for Osteogenesis imperfecta type 8. Last evaluated: 2022-01-15. Review status: criteria provided, single submitter. Criteria: Invitae Variant Classification Sherloc (09022015). Collection method: clinical testing. Allele origin: germline.
Comment: This sequence change affects codon 390 of the P3H1 mRNA. It is a 'silent' change, meaning that it does not change the encoded amino acid sequence of the P3H1 protein. This variant also falls at the last nucleotide of exon 6, which is part of the consensus splice site for this exon. This variant is present in population databases (rs769172325, gnomAD 0.003%). This variant has been observed in individual(s) with osteogenesis imperfecta (PMID: 24498616). Variants that disrupt the consensus splice site are a relatively common cause of aberrant splicing (PMID: 17576681, 9536098). Algorithms developed to predict the effect of sequence changes on RNA splicing suggest that this variant may disrupt the consensus splice site. In summary, the available evidence is currently insufficient to determine the role of this variant in disease. Therefore, it has been classified as a Variant of Uncertain Significance.

Literature cited by the submitters: PubMed 24498616 (cited by Women's Health and Genetics/Laboratory Corporation of America, LabCorp and Labcorp Genetics (formerly Invitae), Labcorp); PubMed 17576681 (cited by Labcorp Genetics (formerly Invitae), Labcorp); PubMed 9536098 (cited by Labcorp Genetics (formerly Invitae), Labcorp).

NM_022356.4(P3H1):c.1170G>A (p.Pro390=)

Gene: P3H1 (prolyl 3-hydroxylase 1; minus strand). Cytogenetic location: 1p34.2.
Variant type: single nucleotide variant.
Coding change: c.1170G>A on transcript NM_022356.4 (MANE Select); coding-DNA position 1170, G replaced by A.
Protein change: p.Pro390=; no amino-acid change (proline 390 retained).
Molecular consequence: synonymous variant.
Genome position (GRCh38, 1-based): chr1:42,755,548, C>T on the plus strand (G>A on the coding strand, the complement: P3H1 is on the minus strand). VCF-style: chr1-42755548-C-T. GRCh37 (hg19) VCF-style: chr1-43221219-C-T.
Other names: c.1170G>A, p.Pro390= (NM_001146289.2, NM_001243246.2).
Identifiers: ClinVar variation 1722452 (VCV001722452.5), dbSNP rs769172325, ClinGen allele CA801952.